The following is an entry in ClinVar:

ClinVar aggregate classification (germline): Uncertain significance (1 of 4 stars; one submission).

Submission:

Labcorp Genetics (formerly Invitae), Labcorp
Classification: Uncertain significance. Last evaluated: 2025-01-14. Review status: criteria provided, single submitter. Criteria: Invitae Variant Classification Sherloc (09022015). Collection method: clinical testing. Allele origin: germline.
Comment: This sequence change replaces methionine, which is neutral and non-polar, with valine, which is neutral and non-polar, at codon 1770 of the LTBP2 protein (p.Met1770Val). This variant is present in population databases (rs745823064, gnomAD 0.02%). This variant has not been reported in the literature in individuals affected with LTBP2-related conditions. An algorithm developed to predict the effect of missense changes on protein structure and function (PolyPhen-2) suggests that this variant is likely to be tolerated. In summary, the available evidence is currently insufficient to determine the role of this variant in disease. Therefore, it has been classified as a Variant of Uncertain Significance.

NM_000428.3(LTBP2):c.5308A>G (p.Met1770Val)

Gene: LTBP2 (latent transforming growth factor beta binding protein 2; minus strand). Cytogenetic location: 14q24.3.
Variant type: single nucleotide variant.
Coding change: c.5308A>G on transcript NM_000428.3 (MANE Select); coding-DNA position 5308, A replaced by G.
Protein change: p.Met1770Val; replaces methionine 1770 with valine.
Molecular consequence: missense variant.
Genome position (GRCh38, 1-based): chr14:74,501,453, T>C on the plus strand (A>G on the coding strand, the complement: LTBP2 is on the minus strand). VCF-style: chr14-74501453-T-C. GRCh37 (hg19) VCF-style: chr14-74968156-T-C.
Other names: short protein forms M1770V.
Identifiers: ClinVar variation 3694545 (VCV003694545.2).
Genomic context (GRCh38, chr14:74,501,453, plus strand): 5'-TGTGGGCAGTGGGCCAGCCTGACTCCTCCATCAGAATTCTGCACTTACCTACGCAGGCCA[T>C]GTGGGCCGCATCCAGCTGGAAGCCCTCAAAACAGTCACAGGTGTAGCCCTCCCGCACGCG-3'
Protein context (NP_000419.1, residues 1760-1780): FEGFQLDAAH[Met1770Val]ACVDVNECDD